The following is an entry in ClinVar:

NM_004380.3(CREBBP):c.6627G>A (p.Gln2209=)

Gene: CREBBP (CREB binding lysine acetyltransferase; minus strand). Cytogenetic location: 16p13.3.
Variant type: single nucleotide variant.
Coding change: c.6627G>A on transcript NM_004380.3 (MANE Select); coding-DNA position 6627, G replaced by A.
Protein change: p.Gln2209=; no amino-acid change (glutamine 2209 retained).
Molecular consequence: synonymous variant.
Genome position (GRCh38, 1-based): chr16:3,728,420, C>T on the plus strand (G>A on the coding strand, the complement: CREBBP is on the minus strand). VCF-style: chr16-3728420-C-T. GRCh37 (hg19) VCF-style: chr16-3778421-C-T.
Other names: c.6513G>A, p.Gln2171= (NM_001079846.1).
Identifiers: ClinVar variation 3352064 (VCV003352064.3).
Genomic context (GRCh38, chr16:3,728,420, plus strand): 5'-GCCGTGCCCCGCCATGCCCCCAGCCATGCCGGCACTCCCTTGCTGCTGCTGCTGTTGCTG[C>T]TGTTGTTGCTGCTGCTGTTGCTGCTGCTGCTGCAGCAGCTGCCTCCGTAACATTTCTCGG-3'
Protein context (NP_004371.2, residues 2199-2219): QQQQQQQQQQ[Gln2209=]QQQQQQQGSA

ClinVar aggregate classification (germline): Likely benign. Review status: criteria provided, single submitter (1 of 4 stars). 2 submissions from 2 submitters: Likely benign (1). 1 of the submissions does not count toward it. Last evaluated 2024-08-08.

Conditions:
Rubinstein-Taybi syndrome (RSTS). Identifiers: Orphanet 783, MedGen C0035934, MONDO:0019188.
CREBBP-related disorder. Also called: CREBBP-related condition; CREBBP-related disorders.

gnomAD v4.1: 3 of 1,612,856 alleles (0.00019%); highest among the groups gnomAD compares: African/African-American, 0.004%; no homozygotes.

Submissions (2):

Labcorp Genetics (formerly Invitae), Labcorp
Classification: Likely benign for Rubinstein-Taybi syndrome. Last evaluated: 2024-08-08. Review status: criteria provided, single submitter. Criteria: Invitae Variant Classification Sherloc (09022015). Collection method: clinical testing. Allele origin: germline.

PreventionGenetics, part of Exact Sciences
Classification: Likely benign for CREBBP-related condition. Last evaluated: 2024-02-27. Review status: no assertion criteria provided. Collection method: clinical testing. Allele origin: germline. Not counted in ClinVar's aggregate classification.
Comment: This variant is classified as likely benign based on ACMG/AMP sequence variant interpretation guidelines (Richards et al. 2015 PMID: 25741868, with internal and published modifications).